The following is an entry in ClinVar:

NM_006904.7(PRKDC):c.8191C>T (p.Arg2731Trp)

Gene: PRKDC (protein kinase, DNA-activated, catalytic subunit; minus strand). Cytogenetic location: 8q11.21.
Variant type: single nucleotide variant.
Coding change: c.8191C>T on transcript NM_006904.7 (MANE Select); coding-DNA position 8191, C replaced by T.
Protein change: p.Arg2731Trp; replaces arginine 2731 with tryptophan.
Molecular consequence: missense variant.
Genome position (GRCh38, 1-based): chr8:47,831,888, G>A on the plus strand (C>T on the coding strand, the complement: PRKDC is on the minus strand). VCF-style: chr8-47831888-G-A. GRCh37 (hg19) VCF-style: chr8-48744449-G-A.
Other names: c.8191C>T, p.Arg2731Trp (NM_001081640.2); short protein forms R2731W.
Identifiers: ClinVar variation 1435676 (VCV001435676.3), dbSNP rs1275553288, ClinGen allele CA371147779.

ClinVar aggregate classification (germline): Uncertain significance (1 of 4 stars; one submission).

Conditions:
Severe combined immunodeficiency due to DNA-PKcs deficiency. Also called: IMMUNODEFICIENCY 26 WITH NEUROLOGIC ABNORMALITIES; Immunodeficiency 26 with or without neurologic abnormalities. Identifiers: Orphanet 317425, MedGen C4014833, MONDO:0014423, OMIM 615966.

Allele frequency attached by ClinVar (database versions not stated): gnomAD 0.00001; gnomAD exomes 0.00001.
gnomAD v4.1: 9 of 1,613,804 alleles (0.00056%); highest among the groups gnomAD compares: Admixed American, 0.0033%; no homozygotes.

Submission:

Labcorp Genetics (formerly Invitae), Labcorp
Classification: Uncertain significance for Severe combined immunodeficiency due to DNA-PKcs deficiency. Last evaluated: 2021-12-10. Review status: criteria provided, single submitter. Criteria: Invitae Variant Classification Sherloc (09022015). Collection method: clinical testing. Allele origin: germline.
Comment: This sequence change replaces arginine, which is basic and polar, with tryptophan, which is neutral and slightly polar, at codon 2731 of the PRKDC protein (p.Arg2731Trp). This variant is present in population databases (no rsID available, gnomAD 0.01%). This variant has not been reported in the literature in individuals affected with PRKDC-related conditions. Experimental studies and prediction algorithms are not available or were not evaluated, and the functional significance of this variant is currently unknown. In summary, the available evidence is currently insufficient to determine the role of this variant in disease. Therefore, it has been classified as a Variant of Uncertain Significance.